The following is an entry in ClinVar:

ClinVar aggregate classification (germline): Conflicting classifications of pathogenicity. Review status: criteria provided, conflicting classifications (1 of 4 stars). 3 submissions from 3 submitters: Uncertain significance (1); Likely benign (2). Last evaluated 2025-12-22.

Conditions:
Xeroderma pigmentosum (XP). Identifiers: Orphanet 910, MedGen C0043346, MONDO:0019600.

Allele frequency attached by ClinVar (database versions not stated): gnomAD 0.00001; gnomAD exomes 0.00001 and 0.00002; ExAC 0.00002; TOPMed 0.00002; ESP Exome Variant Server 0.00008.
gnomAD v4.1: 11 of 1,610,416 alleles (0.00068%); highest among the groups gnomAD compares: Admixed American, 0.0017%; no homozygotes.

Submissions (3):

Labcorp Genetics (formerly Invitae), Labcorp
Classification: Likely benign. Last evaluated: 2025-12-22. Review status: criteria provided, single submitter. Criteria: Invitae Variant Classification Sherloc (09022015). Collection method: clinical testing. Allele origin: germline.

Blueprint Genetics
Classification: Likely benign. Last evaluated: 2024-11-21. Review status: criteria provided, single submitter. Criteria: ACMG Guidelines, 2015. Collection method: clinical testing. Allele origin: germline.

Sema4
Classification: Uncertain significance for Xeroderma pigmentosum. Last evaluated: 2021-11-18. Review status: criteria provided, single submitter. Criteria: Sema4 Curation Guidelines. Collection method: curation. Allele origin: germline.
Comment: The ERCC3 c.472-10G>A (p.?) variant has not been reported in the literature to our knowledge. It was observed in 1/16242 chromosomes of the African/African American subpopulation in the large and broad cohorts of the Genome Aggregation Database (PMID: 32461654). In silico tools suggest the variant may not have an impact on splicing, though these predictions have not been confirmed by functional studies. The evidence is insufficient to meet ACMG/AMP criteria for classifying the variant as benign or pathogenic. Thus, the clinical significance of this variant is currently uncertain.

NM_000122.2(ERCC3):c.472-10G>A

Gene: ERCC3 (ERCC excision repair 3, TFIIH core complex helicase subunit; minus strand). Cytogenetic location: 2q14.3.
Variant type: single nucleotide variant.
Coding change: c.472-10G>A on transcript NM_000122.2 (MANE Select); 10 bases into the intron before coding-DNA position 472, G replaced by A.
Molecular consequence: intron variant.
Genome position (GRCh38, 1-based): chr2:127,290,283, C>T on the plus strand (G>A on the coding strand, the complement: ERCC3 is on the minus strand). VCF-style: chr2-127290283-C-T. GRCh37 (hg19) VCF-style: chr2-128047859-C-T.
Other names: c.280-10G>A (NM_001303416.2, NM_001303418.2).
Identifiers: ClinVar variation 1692168 (VCV001692168.7), dbSNP rs369227601, ClinGen allele CA1858534.